The following is an entry in ClinVar:

ClinVar aggregate classification (germline): Conflicting classifications of pathogenicity. Review status: criteria provided, conflicting classifications (1 of 4 stars). 3 submissions from 3 submitters: Uncertain significance (2); Likely benign (1). Last evaluated 2025-07-16.

Conditions:
VCAN-related disorder. Also called: VCAN-related condition.

Allele frequency attached by ClinVar (database versions not stated): gnomAD 0.00003 and 0.00005; TOPMed 0.00003; gnomAD exomes 0.00006 and 0.00007; ExAC 0.00007; ESP Exome Variant Server 0.00015; 1000 Genomes Project 30x 0.00047; 1000 Genomes Project 0.00060.

Submissions (3):

Labcorp Genetics (formerly Invitae), Labcorp
Classification: Uncertain significance. Last evaluated: 2025-07-16. Review status: criteria provided, single submitter. Criteria: Invitae Variant Classification Sherloc (09022015). Collection method: clinical testing. Allele origin: germline.
Comment: This sequence change replaces threonine, which is neutral and polar, with methionine, which is neutral and non-polar, at codon 3288 of the VCAN protein (p.Thr3288Met). This variant is present in population databases (rs143298619, gnomAD 0.02%). This variant has not been reported in the literature in individuals affected with VCAN-related conditions. ClinVar contains an entry for this variant (Variation ID: 1044544). An algorithm developed to predict the effect of missense changes on protein structure and function (PolyPhen-2) suggests that this variant is likely to be disruptive. In summary, the available evidence is currently insufficient to determine the role of this variant in disease. Therefore, it has been classified as a Variant of Uncertain Significance.

PreventionGenetics, part of Exact Sciences
Classification: Uncertain significance for VCAN-related condition. Last evaluated: 2022-09-19. Review status: criteria provided, single submitter. Criteria: ACMG Guidelines, 2015. Collection method: clinical testing. Allele origin: germline.
Comment: The VCAN c.9863C>T variant is predicted to result in the amino acid substitution p.Thr3288Met. To our knowledge, this variant has not been reported in the literature. This variant is reported in 0.023% of alleles in individuals of Latino descent in gnomAD. Although we suspect that this variant may be benign, at this time, the clinical significance of this variant is uncertain due to the absence of conclusive functional and genetic evidence.

Blueprint Genetics
Classification: Likely benign. Last evaluated: 2021-12-01. Review status: criteria provided, single submitter. Criteria: ACMG Guidelines, 2015. Collection method: clinical testing. Allele origin: germline.

NM_004385.5(VCAN):c.9863C>T (p.Thr3288Met)

Gene: VCAN (versican; plus strand). Cytogenetic location: 5q14.3.
Variant type: single nucleotide variant.
Coding change: c.9863C>T on transcript NM_004385.5 (MANE Select); coding-DNA position 9863, C replaced by T.
Protein change: p.Thr3288Met; replaces threonine 3288 with methionine.
Molecular consequence: missense variant.
Genome position (GRCh38, 1-based): chr5:83,572,543, C>T. VCF-style: chr5-83572543-C-T. GRCh37 (hg19) VCF-style: chr5-82868362-C-T.
Other names: c.9863C>T (NM_004385.4); c.1640C>T, p.Thr547Met (NM_001126336.3); c.6902C>T, p.Thr2301Met (NM_001164097.2); c.4601C>T, p.Thr1534Met (NM_001164098.2); short protein forms T1534M, T547M, T2301M, T3288M.
Identifiers: ClinVar variation 1044544 (VCV001044544.10), dbSNP rs143298619, ClinGen allele CA3334104.